The following is an entry in ClinVar:

NM_017612.5(ZCCHC8):c.664G>A (p.Ala222Thr)

Gene: ZCCHC8 (zinc finger CCHC-type containing 8; minus strand). Cytogenetic location: 12q24.31.
Variant type: single nucleotide variant.
Coding change: c.664G>A on transcript NM_017612.5 (MANE Select); coding-DNA position 664, G replaced by A.
Protein change: p.Ala222Thr; replaces alanine 222 with threonine.
Molecular consequence: missense variant. On other transcripts: intron variant (3).
Genome position (GRCh38, 1-based): chr12:122,483,286, C>T on the plus strand (G>A on the coding strand, the complement: ZCCHC8 is on the minus strand). VCF-style: chr12-122483286-C-T. GRCh37 (hg19) VCF-style: chr12-122967833-C-T.
Other names: c.367G>A, p.Ala123Thr (NM_001350936.2); c.-43-591G>A (NM_001350938.2, NM_001350937.2); c.502-1199G>A (NM_001350935.2); short protein forms A123T, A222T.
Identifiers: ClinVar variation 1898743 (VCV001898743.5), dbSNP rs994123201, ClinGen allele CA244755874.

ClinVar aggregate classification (germline): Uncertain significance (1 of 4 stars; one submission).

Allele frequency attached by ClinVar (database versions not stated): gnomAD exomes 0.00001.

Submission:

Labcorp Genetics (formerly Invitae), Labcorp
Classification: Uncertain significance. Last evaluated: 2022-03-15. Review status: criteria provided, single submitter. Criteria: Invitae Variant Classification Sherloc (09022015). Collection method: clinical testing. Allele origin: germline.
Comment: In summary, the available evidence is currently insufficient to determine the role of this variant in disease. Therefore, it has been classified as a Variant of Uncertain Significance. Algorithms developed to predict the effect of missense changes on protein structure and function are either unavailable or do not agree on the potential impact of this missense change (SIFT: "Tolerated"; PolyPhen-2: "Possibly Damaging"; Align-GVGD: "Class C0"). This variant has not been reported in the literature in individuals affected with ZCCHC8-related conditions. The frequency data for this variant in the population databases is considered unreliable, as metrics indicate poor data quality at this position in the gnomAD database. This sequence change replaces alanine, which is neutral and non-polar, with threonine, which is neutral and polar, at codon 222 of the ZCCHC8 protein (p.Ala222Thr).